The following is an entry in ClinVar:

ClinVar aggregate classification (germline): Likely pathogenic (1 of 4 stars; one submission).

Submission:

Genetics Laboratory, UDIAT-Centre Diagnòstic, Hospital Universitari Parc Tauli
Classification: Likely pathogenic. Last evaluated: 2021-04-26. Review status: criteria provided, single submitter. Criteria: Parc Tauli Hospital Assertion Criteria 2021. Collection method: clinical testing. Allele origin: de novo. Inheritance: Autosomal dominant inheritance. Affected: yes. Observed: 1 heterozygote.
Comment: PM2_supporting;PM4_moderate;PM6_moderate;PP3_supporting

NM_014141.6(CNTNAP2):c.686_688del (p.Glu229del)

Gene: CNTNAP2 (contactin associated protein 2; plus strand). Cytogenetic location: 7q35.
Variant type: Deletion.
Coding change: c.686_688del on transcript NM_014141.6 (MANE Select); coding-DNA positions 686 to 688, 3 bases deleted (AAG; older notation c.686_688delAAG).
Protein change: p.Glu229del; deletes glutamic acid 229.
Molecular consequence: inframe deletion.
Genome position (GRCh38, 1-based): chr7:147,108,282-147,108,284, AAG deleted; deleting any 3 consecutive bases within chr7:147,108,280-147,108,284 gives the same sequence; the c. name uses the placement nearest the transcript's 3' end. VCF-style (leftmost placement, unchanged base first): chr7-147108279-GAGA-G. GRCh37 (hg19) VCF-style: chr7-146805371-GAGA-G.
Other names: short protein forms E229del.
Identifiers: ClinVar variation 1098345 (VCV001098345.2), dbSNP rs2129279561, ClinGen allele CA2499218774.